The following is an entry in ClinVar:

NM_006245.4(PPP2R5D):c.1640_1642dup (p.Leu547_Lys548insMet)

Gene: PPP2R5D (protein phosphatase 2 regulatory subunit B'delta; plus strand). Cytogenetic location: 6p21.1.
Variant type: Duplication.
Coding change: c.1640_1642dup on transcript NM_006245.4 (MANE Select); coding-DNA positions 1640 to 1642, 3 bases duplicated (TGA; older notation c.1640_1642dupTGA).
Protein change: p.Leu547_Lys548insMet.
Molecular consequence: inframe insertion.
Genome position (GRCh38, 1-based): chr6:43,010,966-43,010,968, TGA duplicated. VCF-style (leftmost placement, unchanged base first): chr6-43010965-C-CTGA. GRCh37 (hg19) VCF-style: chr6-42978703-C-CTGA.
Other names: c.1187_1189dup, p.Leu396_Lys397insMet (NM_001270476.2); c.1544_1546dup, p.Leu515_Lys516insMet (NM_180976.3); c.1322_1324dup, p.Leu441_Lys442insMet (NM_180977.3).
Identifiers: ClinVar variation 1690463 (VCV001690463.4), dbSNP rs1298774899, ClinGen allele CA567150167.

ClinVar aggregate classification (germline): Uncertain significance. Review status: criteria provided, multiple submitters, no conflicts (2 of 4 stars). 2 submissions from 2 submitters: Uncertain significance (2). Last evaluated 2024-03-16.

Allele frequency attached by ClinVar (database versions not stated): gnomAD 0.00001; TOPMed 0.00001.

Submissions (2):

Labcorp Genetics (formerly Invitae), Labcorp
Classification: Uncertain significance. Last evaluated: 2024-03-16. Review status: criteria provided, single submitter. Criteria: Invitae Variant Classification Sherloc (09022015). Collection method: clinical testing. Allele origin: germline.
Comment: This variant, c.1640_1642dup, results in the insertion of 1 amino acid(s) of the PPP2R5D protein (p.Leu547_Lys548insMet), but otherwise preserves the integrity of the reading frame. This variant is present in population databases (no rsID available, gnomAD 0.01%). This variant has not been reported in the literature in individuals affected with PPP2R5D-related conditions. ClinVar contains an entry for this variant (Variation ID: 1690463). In summary, the available evidence is currently insufficient to determine the role of this variant in disease. Therefore, it has been classified as a Variant of Uncertain Significance.

Laboratorio de Genetica e Diagnostico Molecular, Hospital Israelita Albert Einstein
Classification: Uncertain significance. Last evaluated: 2021-10-13. Review status: criteria provided, single submitter. Criteria: ACMG Guidelines, 2015. Collection method: clinical testing. Allele origin: germline. Affected: yes.
Comment: ACMG classification criteria: PM4